The following is an entry in ClinVar:

ClinVar aggregate classification (germline): Uncertain significance (1 of 4 stars; one submission).

Allele frequency attached by ClinVar (database versions not stated): TOPMed below 0.00001.
gnomAD v4.1: 1 of 1,611,554 alleles (0.000062%); no homozygotes.

Submission:

Labcorp Genetics (formerly Invitae), Labcorp
Classification: Uncertain significance. Last evaluated: 2022-12-08. Review status: criteria provided, single submitter. Criteria: Invitae Variant Classification Sherloc (09022015). Collection method: clinical testing. Allele origin: germline.
Comment: In summary, the available evidence is currently insufficient to determine the role of this variant in disease. Therefore, it has been classified as a Variant of Uncertain Significance. Algorithms developed to predict the effect of missense changes on protein structure and function output the following: SIFT: "Tolerated"; PolyPhen-2: "Benign"; Align-GVGD: "Class C0". The arginine amino acid residue is found in multiple mammalian species, which suggests that this missense change does not adversely affect protein function. This variant has not been reported in the literature in individuals affected with ANKRD26-related conditions. This variant is not present in population databases (gnomAD no frequency). This sequence change replaces glycine, which is neutral and non-polar, with arginine, which is basic and polar, at codon 28 of the ANKRD26 protein (p.Gly28Arg).

NM_014915.3(ANKRD26):c.82G>C (p.Gly28Arg)

Genes: ANKRD26 (ankyrin repeat domain 26; minus strand), LOC130003554 (ATAC-STARR-seq lymphoblastoid silent region 2243; plus strand). Cytogenetic location: 10p12.1.
Variant type: single nucleotide variant.
Coding change: c.82G>C on transcript NM_014915.3 (MANE Select); coding-DNA position 82, G replaced by C.
Protein change: p.Gly28Arg; replaces glycine 28 with arginine.
Molecular consequence: missense variant.
Genome position (GRCh38, 1-based): chr10:27,100,245, C>G on the plus strand (G>C on the coding strand, the complement: ANKRD26 is on the minus strand). VCF-style: chr10-27100245-C-G. GRCh37 (hg19) VCF-style: chr10-27389174-C-G.
Other names: c.82G>C, p.Gly28Arg (NM_001256053.2); short protein forms G28R.
Identifiers: ClinVar variation 2906978 (VCV002906978.3), dbSNP rs1417891429, ClinGen allele CA376369884.